The following is an entry in ClinVar:

NM_001267550.2(TTN):c.54809dup (p.Phe18271fs)

Genes: TTN-AS1 (TTN antisense RNA 1; plus strand), TTN (titin; minus strand). Cytogenetic location: 2q31.2.
Variant type: Duplication.
Coding change: c.54809dup on transcript NM_001267550.2 (MANE Select); coding-DNA position 54809, one base duplicated (T; older notation c.54809dupT).
Protein change: p.Phe18271fs; shifts the reading frame from phenylalanine 18271.
Molecular consequence: frameshift variant.
Genome position (GRCh38, 1-based): chr2:178,603,878, A duplicated on the plus strand (T on the coding strand, the reverse complement: TTN is on the minus strand). VCF-style (leftmost placement, unchanged base first): chr2-178603877-T-TA. GRCh37 (hg19) VCF-style: chr2-179468604-T-TA.
Other names: c.49886dup, p.Phe16630fs (NM_001256850.1); c.27614dup, p.Phe9206fs (NM_003319.4); c.47105dup, p.Phe15703fs (NM_133378.4); c.27989dup, p.Phe9331fs (NM_133432.3); c.28190dup, p.Phe9398fs (NM_133437.4); c.49886dupT (NM_001256850.1); short protein forms F9206fs, F16630fs, F9331fs, F9398fs, F15703fs, F18271fs.
Identifiers: ClinVar variation 422189 (VCV000422189.11), dbSNP rs1553679072, ClinGen allele CA16617370.

ClinVar aggregate classification (germline): Likely pathogenic. Review status: criteria provided, multiple submitters, no conflicts (2 of 4 stars). 2 submissions from 2 submitters: Likely pathogenic (2). Last evaluated 2020-08-23.

Conditions:
Dilated cardiomyopathy 1G (CMD1G). Identifiers: Orphanet 154, MedGen C1858763, MONDO:0011400, OMIM 604145.
Autosomal recessive limb-girdle muscular dystrophy type 2J (LGMDR10). Also called: MUSCULAR DYSTROPHY, LIMB-GIRDLE, AUTOSOMAL RECESSIVE 10; Limb-girdle muscular dystrophy, type 2J. Identifiers: Orphanet 140922, MedGen C1837342, MONDO:0012127, OMIM 608807.

Submissions (2):

Labcorp Genetics (formerly Invitae), Labcorp
Classification: Likely pathogenic for Dilated cardiomyopathy 1G; Autosomal recessive limb-girdle muscular dystrophy type 2J. Last evaluated: 2020-08-23. Review status: criteria provided, single submitter. Criteria: Invitae Variant Classification Sherloc (09022015). Collection method: clinical testing. Allele origin: germline.
Comment: This sequence change results in a premature translational stop signal in the TTN gene (p.Phe18271Ilefs*12). While this is not anticipated to result in nonsense mediated decay, it is expected to create a truncated TTN protein. This variant is not present in population databases (ExAC no frequency). This variant has not been reported in the literature in individuals with TTN-related conditions. ClinVar contains an entry for this variant (Variation ID: 422189). This variant is located in the A band of TTN (PMID: 25589632). Truncating variants in this region are significantly overrepresented in patients affected with dilated cardiomyopathy (PMID: 25589632). Truncating variants in this region have also been reported in individuals affected with autosomal recessive centronuclear myopathy (PMID: 23975875). In summary, the currently available evidence indicates that the variant is pathogenic, but additional data are needed to prove that conclusively. Therefore, this variant has been classified as Likely Pathogenic.

GeneDx
Classification: Likely pathogenic. Last evaluated: 2016-09-08. Review status: criteria provided, single submitter. Criteria: GeneDx Variant Classification (06012015). Collection method: clinical testing. Allele origin: germline. Affected: yes.
Comment: The c.49886dupT likely pathogenic variant in the TTN gene has not been reported previously as a pathogenic variant or as a benign variant, to our knowledge. The c.49886dupT variant causes a shift in reading frame starting at codon Phenylalanine 16630, changing it to a Isoleucine, and creating a premature stop codon at position 12 of the new reading frame, denoted p.F16630IfsX12. This variant is expected to result in either an abnormal, truncated protein product or loss of protein from this allele through nonsense-mediated mRNA decay. Other truncating TTN variants have been reported in approximately 3% of control alleles (Herman et al., 2012). However, c.49886dupT is located in the A-band region of titin, where the majority of truncating pathogenic variants associated with DCM have been reported (Herman et al., 2012). Furthermore, the c.49886dupT variant was not observed in approximately 6,000 individuals of European and African American ancestry in the NHLBI Exome Sequencing Project, indicating it is not a common benign variant in these populations.In summary, c.49886dupT in the TTN gene is expected to be pathogenic.

Literature cited by the submitters: PubMed 25589632 (cited by Labcorp Genetics (formerly Invitae), Labcorp); PubMed 23975875 (cited by Labcorp Genetics (formerly Invitae), Labcorp).